The following is an entry in ClinVar:

NM_000038.6(APC):c.3463_3467del (p.Glu1155fs)

Gene: APC (APC regulator of Wnt signaling pathway; plus strand). Cytogenetic location: 5q22.2.
Variant type: Deletion.
Coding change: c.3463_3467del on transcript NM_000038.6 (MANE Select); coding-DNA positions 3463 to 3467, 5 bases deleted (GAAGA; older notation c.3463_3467delGAAGA).
Protein change: p.Glu1155fs; shifts the reading frame from glutamic acid 1155.
Molecular consequence: frameshift variant.
Genome position (GRCh38, 1-based): chr5:112,839,057-112,839,061, GAAGA deleted; deleting any 5 consecutive bases within chr5:112,839,056-112,839,061 gives the same sequence; the c. name uses the placement nearest the transcript's 3' end. VCF-style (leftmost placement, unchanged base first): chr5-112839055-AAGAAG-A. GRCh37 (hg19) VCF-style: chr5-112174752-AAGAAG-A.
Other names: c.3463_3467del, p.Glu1155fs (NM_001127510.3, NM_001354895.2); c.3409_3413del, p.Glu1137fs (NM_001127511.3); c.3517_3521del, p.Glu1173fs (NM_001354896.2); c.3493_3497del, p.Glu1165fs (NM_001354897.2); c.3388_3392del, p.Glu1130fs (NM_001354898.2); c.3379_3383del, p.Glu1127fs (NM_001354899.2); c.3340_3344del, p.Glu1114fs (NM_001354900.2); c.3286_3290del, p.Glu1096fs (NM_001354901.2); and 5 more; short protein forms E1029fs, E1165fs, E1173fs, E1096fs, E1114fs, E1127fs, E1130fs, E1137fs.
Identifiers: ClinVar variation 428150 (VCV000428150.8), dbSNP rs1114167589, ClinGen allele CA645369370.

ClinVar aggregate classification (germline): Pathogenic. Review status: criteria provided, multiple submitters, no conflicts (2 of 4 stars). 2 submissions from 2 submitters: Pathogenic (2). Last evaluated 2023-11-08.

Conditions:
Hereditary cancer-predisposing syndrome. Also called: Hereditary Cancer Syndrome; Neoplastic Syndromes, Hereditary; Hereditary neoplastic syndrome; Tumor predisposition. Identifiers: Orphanet 140162, MedGen C0027672, MeSH D009386, MONDO:0015356.
Familial adenomatous polyposis 1 (FAP1). Also called: FAMILIAL ADENOMATOUS POLYPOSIS 1, ATTENUATED; POLYPOSIS, ADENOMATOUS INTESTINAL. Identifiers: MedGen C2713442, MONDO:0021056, OMIM 175100. Disease mechanism: loss of function.

Submissions (2):

Labcorp Genetics (formerly Invitae), Labcorp
Classification: Pathogenic for Familial adenomatous polyposis 1. Last evaluated: 2023-11-08. Review status: criteria provided, single submitter. Criteria: Invitae Variant Classification Sherloc (09022015). Collection method: clinical testing. Allele origin: germline.
Comment: This sequence change creates a premature translational stop signal (p.Glu1155Argfs*7) in the APC gene. While this is not anticipated to result in nonsense mediated decay, it is expected to disrupt the last 1689 amino acid(s) of the APC protein. This variant is not present in population databases (gnomAD no frequency). This variant has not been reported in the literature in individuals affected with APC-related conditions. ClinVar contains an entry for this variant (Variation ID: 428150). This variant is expected to disrupt the EB1 and HDLG binding sites, which mediate interactions with the cytoskeleton (PMID: 15311282, 17293347). While functional studies have not been performed to directly test the effect on APC protein function, this suggests that disruption of the C-terminal portion of the protein is functionally important. A different truncation (p.Tyr2645Lysfs*14) that lies downstream of this variant has been determined to be pathogenic (PMID: 9824584, 1316610, 27081525, 8381579, 22135120, Invitae). This suggests that deletion of this region of the APC protein is causative of disease. For these reasons, this variant has been classified as Pathogenic.

Ambry Genetics
Classification: Pathogenic for Hereditary cancer-predisposing syndrome. Last evaluated: 2016-04-08. Review status: criteria provided, single submitter. Criteria: Ambry Variant Classification Scheme 2023. Collection method: clinical testing. Allele origin: germline.
Comment: The c.3463_3467delGAAGA pathogenic mutation, located in coding exon 15 of the APC gene, results from a deletion of 5 nucleotides between nucleotide positions 3463 and 3467, causing a translational frameshift with a predicted alternate stop codon. Since frameshifts are typically deleterious in nature, this alteration is interpreted as a disease-causing mutation (ACMG Recommendations for Standards for Interpretation and Reporting of Sequence Variations. Revision 2007. Genet Med. 2008;10:294).

Literature cited by the submitters: PubMed 15311282 (cited by Labcorp Genetics (formerly Invitae), Labcorp); PubMed 17293347 (cited by Labcorp Genetics (formerly Invitae), Labcorp); PubMed 9824584 (cited by Labcorp Genetics (formerly Invitae), Labcorp); PubMed 1316610 (cited by Labcorp Genetics (formerly Invitae), Labcorp); PubMed 27081525 (cited by Labcorp Genetics (formerly Invitae), Labcorp); PubMed 8381579 (cited by Labcorp Genetics (formerly Invitae), Labcorp); PubMed 22135120 (cited by Labcorp Genetics (formerly Invitae), Labcorp).